The following is an entry in ClinVar:

ClinVar aggregate classification (germline): Uncertain significance (1 of 4 stars; one submission).

Conditions:
Hereditary cancer-predisposing syndrome. Also called: Neoplastic Syndromes, Hereditary; Tumor predisposition; Hereditary neoplastic syndrome; Hereditary Cancer Syndrome. Identifiers: Orphanet 140162, MedGen C0027672, MeSH D009386, MONDO:0015356.

Submission:

Ambry Genetics
Classification: Uncertain significance for Hereditary cancer-predisposing syndrome. Last evaluated: 2026-08-29. Review status: criteria provided, single submitter. Criteria: Ambry Variant Classification Scheme 2023. Collection method: clinical testing. Allele origin: germline.
Comment: The p.E204D variant (also known as c.612A>T), located in coding exon 7 of the RB1 gene, results from an A to T substitution at nucleotide position 612. The glutamic acid at codon 204 is replaced by aspartic acid, an amino acid with highly similar properties. This amino acid position is conserved. In addition, this alteration is predicted to be tolerated by in silico analysis. Based on the available evidence, the clinical significance of this variant remains unclear.

NM_000321.3(RB1):c.612A>T (p.Glu204Asp)

Gene: RB1 (RB transcriptional corepressor 1; plus strand). Cytogenetic location: 13q14.2.
Variant type: single nucleotide variant.
Coding change: c.612A>T on transcript NM_000321.3 (MANE Select); coding-DNA position 612, A replaced by T.
Protein change: p.Glu204Asp; replaces glutamic acid 204 with aspartic acid.
Molecular consequence: missense variant.
Genome position (GRCh38, 1-based): chr13:48,360,021, A>T. VCF-style: chr13-48360021-A-T. GRCh37 (hg19) VCF-style: chr13-48934157-A-T.
Other names: c.612A>T, p.Glu204Asp (NM_001407165.1, NM_001407166.1); short protein forms E204D.
Identifiers: ClinVar variation 5027987 (VCV005027987.1).
Genomic context (GRCh38, chr13:48,360,021, plus strand): 5'-CTCATACAAAGATCTGAATCTCTAACTTTCTTTAAAAATGTACATTTTTTTTTCAGGGGA[A>T]GTATTACAAATGGAAGATGATCTGGTGATTTCATTTCAGTTAATGCTATGTGTCCTTGAC-3'
Protein context (NP_000312.2, residues 194-214): SWITFLLAKG[Glu204Asp]VLQMEDDLVI